The following is an entry in ClinVar:

NM_005343.4(HRAS):c.261C>T (p.Thr87=)

Genes: HRAS (HRas proto-oncogene, GTPase; minus strand), LRRC56 (leucine rich repeat containing 56; plus strand). Cytogenetic location: 11p15.5.
Variant type: single nucleotide variant.
Coding change: c.261C>T on transcript NM_005343.4 (MANE Select); coding-DNA position 261, C replaced by T.
Protein change: p.Thr87=; no amino-acid change (threonine 87 retained).
Molecular consequence: synonymous variant. On other transcripts: 5 prime UTR variant (1).
Genome position (GRCh38, 1-based): chr11:533,795, G>A on the plus strand (C>T on the coding strand, the complement: HRAS is on the minus strand). VCF-style: chr11-533795-G-A. GRCh37 (hg19) VCF-style: chr11-533795-G-A.
Other names: c.261C>T, p.Thr87= (NM_001130442.3, NM_176795.5); c.-59C>T (NM_001318054.2).
Identifiers: ClinVar variation 1094546 (VCV001094546.12), dbSNP rs1851272766, ClinGen allele CA472429234.
Genomic context (GRCh38, chr11:533,795, plus strand): 5'-TGGGCTCCCGGGCCAGCCTCACGGGGTTCACCTGTACTGGTGGATGTCCTCAAAAGACTT[G>A]GTGTTGTTGATGGCAAACACACACAGGAAGCCCTCCCCGGTGCGCATGTACTGGTCCCGC-3'
Protein context (NP_005334.1, residues 77-97): GFLCVFAINN[Thr87=]KSFEDIHQYR

ClinVar aggregate classification (germline): Conflicting classifications of pathogenicity. Review status: criteria provided, conflicting classifications (1 of 4 stars). 3 submissions from 3 submitters: Uncertain significance (1); Likely benign (2). Last evaluated 2025-07-31.

Conditions:
Cardiovascular phenotype. Identifiers: MedGen CN230736.
Costello syndrome (CSTLO). Also called: HRAS-Related Costello Syndrome; FACIOCUTANEOSKELETAL SYNDROME; FCS SYNDROME. Identifiers: Orphanet 3071, MedGen C0587248, MONDO:0009026, OMIM 218040.

Allele frequency attached by ClinVar (database versions not stated): gnomAD exomes below 0.00001; TOPMed below 0.00001.
gnomAD v4.1: 2 of 1,613,366 alleles (0.00012%); highest among the groups gnomAD compares: Admixed American, 0.0017%; no homozygotes.

Submissions (3):

Labcorp Genetics (formerly Invitae), Labcorp
Classification: Likely benign for Costello syndrome. Last evaluated: 2025-07-31. Review status: criteria provided, single submitter. Criteria: Invitae Variant Classification Sherloc (09022015). Collection method: clinical testing. Allele origin: germline.

GeneDx
Classification: Uncertain significance. Last evaluated: 2024-06-03. Review status: criteria provided, single submitter. Criteria: GeneDx Variant Classification Process June 2021. Collection method: clinical testing. Allele origin: germline. Affected: yes.
Comment: Not observed at significant frequency in large population cohorts (gnomAD); In silico analysis indicates that this variant does not alter splicing; Has not been previously published as pathogenic or benign to our knowledge

Ambry Genetics
Classification: Likely benign for Cardiovascular phenotype. Last evaluated: 2019-10-28. Review status: criteria provided, single submitter. Criteria: Ambry Variant Classification Scheme 2023. Collection method: clinical testing. Allele origin: germline.